The following is an entry in ClinVar:

ClinVar aggregate classification (germline): Likely benign. Review status: criteria provided, multiple submitters, no conflicts (2 of 4 stars). 2 submissions from 2 submitters: Likely benign (2). Last evaluated 2026-02-04.

Conditions:
Familial cancer of breast. Also called: Hereditary breast cancer; hereditary breast carcinoma; BREAST CANCER, FAMILIAL. Identifiers: Orphanet 227535, MedGen C0346153, MONDO:0016419, OMIM 114480. Disease mechanism: loss of function.

Submissions (2):

Labcorp Genetics (formerly Invitae), Labcorp
Classification: Likely benign for Familial cancer of breast. Last evaluated: 2026-02-04. Review status: criteria provided, single submitter. Criteria: Invitae Variant Classification Sherloc (09022015). Collection method: clinical testing. Allele origin: germline.

Myriad Genetics, Inc.
Classification: Likely benign for Familial cancer of breast. Last evaluated: 2024-10-08. Review status: criteria provided, single submitter. Criteria: Myriad Autosomal Dominant, Autosomal Recessive and X-Linked Classification Criteria (2023). Collection method: clinical testing. Allele origin: unknown.
Comment: This variant is considered likely benign. This variant is intronic and is not expected to impact mRNA splicing.

NM_007194.4(CHEK2):c.1461+7G>T

Gene: CHEK2 (checkpoint kinase 2; minus strand). Cytogenetic location: 22q12.1.
Variant type: single nucleotide variant.
Coding change: c.1461+7G>T on transcript NM_007194.4 (MANE Select); 7 bases into the intron after coding-DNA position 1461, G replaced by T.
Molecular consequence: intron variant.
Genome position (GRCh38, 1-based): chr22:28,694,025, C>A on the plus strand (G>T on the coding strand, the complement: CHEK2 is on the minus strand). VCF-style: chr22-28694025-C-A. GRCh37 (hg19) VCF-style: chr22-29090013-C-A.
Other names: c.798+7G>T (NM_001437942.1, NM_001257387.3); c.1260+7G>T (NM_001349956.3); c.1374+7G>T (NM_145862.3); c.1467+7G>T (NM_001438295.1); c.1554+7G>T (NM_001438293.1); c.1503+7G>T (NM_001438294.1); c.1590+7G>T (NM_001005735.3).
Identifiers: ClinVar variation 1143251 (VCV001143251.11), dbSNP rs2145783810, ClinGen allele CA2499226052.
Genomic context (GRCh38, chr22:28,694,025, plus strand): 5'-TCTCATGTCTCTCAGGCAGCAGGGCTTCCCATGTATTTTATGCTAGCAGGCACTGTCCCA[C>A]ACCCACCTGAAGCCACGGGTGTCTTAAGGCTTCTTCTGTCGTAAAACGTGCCTTTGGATC-3'